The following is an entry in ClinVar:

NM_004357.5(CD151):c.200C>T (p.Ala67Val)

Gene: CD151 (CD151 molecule (Raph blood group); plus strand). Cytogenetic location: 11p15.5.
Variant type: single nucleotide variant.
Coding change: c.200C>T on transcript NM_004357.5 (MANE Select); coding-DNA position 200, C replaced by T.
Protein change: p.Ala67Val; replaces alanine 67 with valine.
Molecular consequence: missense variant.
Genome position (GRCh38, 1-based): chr11:836,366, C>T. VCF-style: chr11-836366-C-T. GRCh37 (hg19) VCF-style: chr11-836366-C-T.
Other names: c.200C>T, p.Ala67Val (NM_001039490.2, NM_139029.2, NM_139030.4); short protein forms A67V.
Identifiers: ClinVar variation 3771338 (VCV003771338.13).
Genomic context (GRCh38, chr11:836,366, plus strand): 5'-ACTACATCAGCCTGCTGGCCTCAGGCACCTACCTGGCCACAGCCTACATCCTGGTGGTGG[C>T]GGGCACTGTCGTCATGGTGACTGGGGTCTTGGGCTGCTGCGCCACCTTCAAGGAGCGTCG-3'
Protein context (NP_004348.2, residues 57-77): YLATAYILVV[Ala67Val]GTVVMVTGVL

ClinVar aggregate classification (germline): Uncertain significance (1 of 4 stars; one submission).

gnomAD v4.1: 16 of 1,612,338 alleles (0.00099%); highest among the groups gnomAD compares: African/African-American, 0.0013%; no homozygotes.

Submission:

CeGaT Center for Human Genetics Tuebingen
Classification: Uncertain significance. Last evaluated: 2025-01-01. Review status: criteria provided, single submitter. Criteria: CeGaT Center For Human Genetics Tuebingen Variant Classification Criteria Version 2. Collection method: clinical testing. Allele origin: germline. Affected: yes. Observed: 1 variant allele.
Comment: CD151: PM2